The following is an entry in ClinVar:

NM_001378454.1(ALMS1):c.237G>A (p.Trp79Ter)

Gene: ALMS1 (ALMS1 centrosome and basal body associated protein; plus strand). Cytogenetic location: 2p13.1.
Variant type: single nucleotide variant.
Coding change: c.237G>A on transcript NM_001378454.1 (MANE Select); coding-DNA position 237, G replaced by A.
Protein change: p.Trp79Ter; replaces tryptophan 79 with a stop codon.
Molecular consequence: nonsense.
Genome position (GRCh38, 1-based): chr2:73,386,105, G>A. VCF-style: chr2-73386105-G-A. GRCh37 (hg19) VCF-style: chr2-73613233-G-A.
Other names: c.240G>A, p.Trp80Ter (NM_015120.4); short protein forms W80*, W79*.
Identifiers: ClinVar variation 2966683 (VCV002966683.3), dbSNP rs2465971495, ClinGen allele CA347250900.
Genomic context (GRCh38, chr2:73,386,105, plus strand): 5'-CTACGGGCCCCAGCATCTGGAAAGTATAGACGACGAGGAGGACGAGGAGGCCAAGGCCTG[G>A]CTGCAGGCGCACCCCGGCAGGATTTTGCCTCCGCTGTCGCCCCCGCAGCACCGCTACTCG-3'

ClinVar aggregate classification (germline): Pathogenic (1 of 4 stars; one submission).

Conditions:
Alstrom syndrome (ALMS). Identifiers: Orphanet 64, MedGen C0268425, MONDO:0008763, OMIM 203800.

Submission:

Labcorp Genetics (formerly Invitae), Labcorp
Classification: Pathogenic for Alstrom syndrome. Last evaluated: 2023-06-12. Review status: criteria provided, single submitter. Criteria: Invitae Variant Classification Sherloc (09022015). Collection method: clinical testing. Allele origin: germline.
Comment: This variant is not present in population databases (gnomAD no frequency). For these reasons, this variant has been classified as Pathogenic. This variant has not been reported in the literature in individuals affected with ALMS1-related conditions. This sequence change creates a premature translational stop signal (p.Trp80*) in the ALMS1 gene. It is expected to result in an absent or disrupted protein product. Loss-of-function variants in ALMS1 are known to be pathogenic (PMID: 17594715).

Literature cited by the submitters: PubMed 17594715.